The following is an entry in ClinVar:

NM_000231.3(SGCG):c.196-282A>T

Gene: SGCG (sarcoglycan gamma; plus strand). Cytogenetic location: 13q12.12.
Variant type: single nucleotide variant.
Coding change: c.196-282A>T on transcript NM_000231.3 (MANE Select); 282 bases into the intron before coding-DNA position 196, A replaced by T.
Molecular consequence: intron variant.
Genome position (GRCh38, 1-based): chr13:23,234,329, A>T. VCF-style: chr13-23234329-A-T. GRCh37 (hg19) VCF-style: chr13-23808468-A-T.
Other names: c.250-282A>T (NM_001378244.1); c.196-282A>T (NM_001378245.1, NM_001378246.1).
Identifiers: ClinVar variation 684354 (VCV000684354.1), dbSNP rs9510643, ClinGen allele CA246643581.

ClinVar aggregate classification (germline): Benign (1 of 4 stars; one submission).

Allele frequency attached by ClinVar (database versions not stated): gnomAD 0.66038 and 0.66704; TOPMed 0.66392; 1000 Genomes Project 0.74521.
gnomAD v4.1: 100,758 of 151,212 alleles (67%); highest among the groups gnomAD compares: East Asian, 91%; 33,886 homozygotes.

Submission:

GeneDx
Classification: Benign. Last evaluated: 2018-06-18. Review status: criteria provided, single submitter. Criteria: GeneDx Variant Classification (06012015). Collection method: clinical testing. Allele origin: germline. Affected: yes.
Comment: This variant is considered likely benign or benign based on one or more of the following criteria: it is a conservative change, it occurs at a poorly conserved position in the protein, it is predicted to be benign by multiple in silico algorithms, and/or has population frequency not consistent with disease.